The following is an entry in ClinVar:

NM_001001331.4(ATP2B2):c.2492C>T (p.Ala831Val)

Gene: ATP2B2 (ATPase plasma membrane Ca2+ transporting 2; minus strand). Cytogenetic location: 3p25.3.
Variant type: single nucleotide variant.
Coding change: c.2492C>T on transcript NM_001001331.4 (MANE Select); coding-DNA position 2492, C replaced by T.
Protein change: p.Ala831Val; replaces alanine 831 with valine.
Molecular consequence: missense variant.
Genome position (GRCh38, 1-based): chr3:10,346,050, G>A on the plus strand (C>T on the coding strand, the complement: ATP2B2 is on the minus strand). VCF-style: chr3-10346050-G-A. GRCh37 (hg19) VCF-style: chr3-10387734-G-A.
Other names: c.2357C>T, p.Ala786Val (NM_001330611.3, NM_001353564.1, NM_001363862.1 and 1 more transcripts); short protein forms A786V, A831V.
Identifiers: ClinVar variation 3661593 (VCV003661593.2).

ClinVar aggregate classification (germline): Pathogenic (1 of 4 stars; one submission).

Submission:

Labcorp Genetics (formerly Invitae), Labcorp
Classification: Pathogenic. Last evaluated: 2024-08-30. Review status: criteria provided, single submitter. Criteria: Invitae Variant Classification Sherloc (09022015). Collection method: clinical testing. Allele origin: germline.
Comment: This sequence change replaces alanine, which is neutral and non-polar, with valine, which is neutral and non-polar, at codon 786 of the ATP2B2 protein (p.Ala786Val). This variant is not present in population databases (gnomAD no frequency). This missense change has been observed in individual(s) with deafness (internal data). In at least one individual the variant was observed to be de novo. Invitae Evidence Modeling of protein sequence and biophysical properties (such as structural, functional, and spatial information, amino acid conservation, physicochemical variation, residue mobility, and thermodynamic stability) indicates that this missense variant is expected to disrupt ATP2B2 protein function with a positive predictive value of 80%. For these reasons, this variant has been classified as Pathogenic.